The following is an entry in ClinVar:

NM_001020658.2(PUM1):c.1773del (p.Ser592fs)

Gene: PUM1 (pumilio RNA binding family member 1; minus strand). Cytogenetic location: 1p35.2.
Variant type: Deletion.
Coding change: c.1773del on transcript NM_001020658.2 (MANE Select); coding-DNA position 1773, one base deleted (C; older notation c.1773delC).
Protein change: p.Ser592fs; shifts the reading frame from serine 592.
Molecular consequence: frameshift variant.
Genome position (GRCh38, 1-based): chr1:30,967,183, G deleted on the plus strand (C on the coding strand, the reverse complement: PUM1 is on the minus strand); the first of 2 consecutive G bases (chr1:30,967,183-30,967,184); deleting either gives the same sequence. VCF-style (leftmost placement, unchanged base first): chr1-30967182-AG-A. GRCh37 (hg19) VCF-style: chr1-31440029-AG-A.
Other names: c.1773del, p.Ser592fs (NM_014676.3); short protein forms S592fs.
Identifiers: ClinVar variation 929062 (VCV000929062.1), dbSNP rs1640658015, ClinGen allele CA1139656044.

ClinVar aggregate classification (germline): Likely pathogenic (1 of 4 stars; one submission).

Conditions:
Spinocerebellar ataxia 47 (NEDMSF). Also called: neurodevelopmental disorder with motor abnormalities, seizures, and facial dysmorphism; PADDAS SYNDROME. Identifiers: Orphanet 642747, MedGen C4693672, MONDO:0033482, OMIM 620719.

Submission:

Women's Health and Genetics/Laboratory Corporation of America, LabCorp
Classification: Likely pathogenic for SPINOCEREBELLAR ATAXIA 47. Last evaluated: 2019-07-11. Review status: criteria provided, single submitter. Criteria: LabCorp Variant Classification Summary - May 2015. Collection method: clinical testing. Allele origin: germline.
Comment: Variant summary: PUM1 c.1773delC (p.Ser592GlnfsX32) results in a premature termination codon, predicted to cause a truncation of the encoded protein or absence of the protein due to nonsense mediated decay, which are commonly known mechanisms for disease. The variant was absent in 251234 control chromosomes (gnomAD). To our knowledge, no occurrence of c.1773delC in individuals affected with Spinocerebellar ataxia 47 and no experimental evidence demonstrating its impact on protein function have been reported. No clinical diagnostic laboratories have submitted clinical-significance assessments for this variant to ClinVar after 2014. Based on the evidence outlined above, the variant was classified as likely pathogenic.